The following is an entry in ClinVar:

ClinVar aggregate classification (germline): Likely pathogenic. Review status: reviewed by expert panel (3 of 4 stars). 8 submissions from 8 submitters: Likely pathogenic (1). 7 of the submissions do not count toward it. Last evaluated 2026-07-15.

Conditions:
BRCA2-related cancer predisposition. Identifiers: MedGen CN377758, MONDO:0700269.
Hereditary cancer-predisposing syndrome. Also called: Hereditary Cancer Syndrome; Tumor predisposition; Neoplastic Syndromes, Hereditary; Hereditary neoplastic syndrome. Identifiers: Orphanet 140162, MedGen C0027672, MeSH D009386, MONDO:0015356.
Hereditary breast ovarian cancer syndrome. Also called: Breast and ovarian cancer; Hereditary breast and ovarian cancer syndrome; Hereditary breast and ovarian cancer; Hereditary breast and/or ovarian cancer syndrome; BRCA1- and BRCA2-Associated Hereditary Breast and Ovarian Cancer; Hereditary breast and ovarian cancer syndrome (HBOC). Identifiers: Orphanet 145, MedGen C0677776, MeSH D061325, MONDO:0003582. Disease mechanism: loss of function.
Breast-ovarian cancer, familial, susceptibility to, 2 (BROVCA2). Also called: BRCA2 Hereditary Breast and Ovarian Cancer. Identifiers: Orphanet 145, MedGen C2675520, MONDO:0012933, OMIM 612555. Disease mechanism: loss of function.

Submissions (8):

ClinGen ENIGMA BRCA1 and BRCA2 Variant Curation Expert Panel, ClinGen
Classification: Likely pathogenic for BRCA2-related cancer predisposition. Last evaluated: 2026-07-15. Review status: reviewed by expert panel. Criteria: CSpec BRCA1/2ACMG Rules Specifications V1.2. Collection method: curation. Allele origin: germline. Inheritance: Autosomal dominant inheritance.
Comment: The c.566A>G variant in BRCA2 is a missense variant predicted to cause substitution of aspartic acid by glycine at amino acid 189 (p.(Asp189Gly)). This variant is absent from gnomAD v4.1 (read depth ≥25x in >90% samples, PM2_Supporting met). This BRCA2 missense variant has a SpliceAI score of 0.7, predicting an impact on splicing (score threshold ≥0.2) (PP3 not applied because a PVS1 code is met). This variant is reported to result in aberrant mRNA splicing. Minigene, RT-PCR, and RNAseq demonstrated that the variant causes deletion of part of the exon (r.562_631del), resulting in an out-of-frame transcript. The percent aberrant transcript produced from the variant allele using allele specific assessment with sequence analysis was determined to be >90% (ENIGMA unpublished data, Ambry internal data, Internal lab contributor). Final code strength determined by the rubric: PVS1 (RNA). In summary, this variant meets the criteria to be classified as a Likely pathogenic variant for BRCA2-related cancer predisposition based on the ACMG/AMP criteria applied as specified by the ENIGMA BRCA1/2 VCEP (PM2_Supporting, PVS1 (RNA)).

Ambry Genetics
Classification: Likely pathogenic for Hereditary cancer-predisposing syndrome. Last evaluated: 2025-07-06. Review status: criteria provided, single submitter. Criteria: Ambry Variant Classification Scheme 2023. Collection method: clinical testing. Allele origin: germline. Not counted in ClinVar's aggregate classification.
Comment: The c.566A>G variant (also known as p.D189G), located in coding exon 6 of the BRCA2 gene, results from an A to G substitution at nucleotide position 566. The aspartic acid at codon 189 is replaced by glycine, an amino acid with similar properties. This alteration was identified in 1 of 353 French and Swiss patients undergoing BRCA1/2 sequencing due to a diagnosis of ovarian cancer (Labidi-Galy SI et al. Clin Cancer Res, 2018 01;24:326-333). This nucleotide position is highly conserved in available vertebrate species. In silico splice site analysis predicts that this alteration will result in the creation or strengthening of a novel splice donor site. RNA studies have demonstrated that this alteration results in abnormal splicing in the set of samples tested (Ambry internal data). This variant is considered to be rare based on population cohorts in the Genome Aggregation Database (gnomAD). Based on the majority of available evidence to date, this variant is likely to be pathogenic.

ARUP Laboratories, Molecular Genetics and Genomics, ARUP Laboratories
Classification: Uncertain significance. Last evaluated: 2025-04-11. Review status: criteria provided, single submitter. Criteria: ARUP Molecular Germline Variant Investigation Process 2024. Collection method: clinical testing. Allele origin: germline. Not counted in ClinVar's aggregate classification.
Comment: The BRCA2 c.566A>G; p.Asp189Gly variant (rs397507359) is reported in the literature in at least one individual affected with ovarian cancer (Labidi-Galy 2018). It is also reported in ClinVar (variation ID: 37986) with conflicting classification with laboratories reporting the variant as pathogenic/likely pathogenic relying on internal RNA data supportive of effects on splicing. This variant is absent from the Genome Aggregation Database (v2.1.1), indicating it is not a common polymorphism. Computational analyses (SpliceAI) predict that this variant may impact splicing by creating a novel donor splice site which is likely to negatively impact gene function. However, given the lack of functional data, the significance of this variant is uncertain at this time. References: Labidi-Galy SI et al. Location of Mutation in BRCA2 Gene and Survival in Patients with Ovarian Cancer. Clin Cancer Res. 2018 Jan 15;24(2):326-333. PMID: 29084914.

Women's Health and Genetics/Laboratory Corporation of America, LabCorp
Classification: Likely pathogenic for Hereditary breast ovarian cancer syndrome. Last evaluated: 2024-12-01. Review status: criteria provided, single submitter. Criteria: LabCorp Variant Classification Summary - May 2015. Collection method: clinical testing. Allele origin: germline. Not counted in ClinVar's aggregate classification.
Comment: Variant summary: BRCA2 c.566A>G (p.Asp189Gly) results in a non-conservative amino acid change in the encoded protein sequence. Four of five in-silico tools predict a damaging effect of the variant on protein function. Several computational tools predict a significant impact on normal splicing: Two predict the variant strengthens a cryptic exonic 3' splicing acceptor site. One predict the variant creates a cryptic exonic 3' splicing acceptor site. Internal RNA sequencing analysis provides experimental evidence that this variant affects mRNA splicing resulting in activation of a cryptic splice site and introduction of a premature termination codon (r.562_631del (p.Val188Serfs*19), Labcorp Genetics, formerly Invitae). The resulting mRNA is expected to undergo nonsense-mediated decay. The variant was absent in 251414 control chromosomes. c.566A>G has been reported in the literature in at-least one individual within The Cancer Genome Atlas (TCGA) cohort of ovarian cancer (example, Labidi-Galy_2018). The following publication have been ascertained in the context of this evaluation (PMID: 29084914). ClinVar contains an entry for this variant (Variation ID: 37986). Based on the evidence outlined above, the variant was classified as likely pathogenic.

Labcorp Genetics (formerly Invitae), Labcorp
Classification: Pathogenic for Hereditary breast ovarian cancer syndrome. Last evaluated: 2024-06-21. Review status: criteria provided, single submitter. Criteria: Invitae Variant Classification Sherloc (09022015). Collection method: clinical testing. Allele origin: germline. Not counted in ClinVar's aggregate classification.
Comment: This sequence change replaces aspartic acid, which is acidic and polar, with glycine, which is neutral and non-polar, at codon 189 of the BRCA2 protein (p.Asp189Gly). RNA analysis indicates that this missense change induces altered splicing and may result in an absent or disrupted protein product. This variant is not present in population databases (gnomAD no frequency). This missense change has been observed in individual(s) with clinical features of BRCA2-related conditions (PMID: 21520333). ClinVar contains an entry for this variant (Variation ID: 37986). Advanced modeling of protein sequence and biophysical properties (such as structural, functional, and spatial information, amino acid conservation, physicochemical variation, residue mobility, and thermodynamic stability) performed at Invitae indicates that this missense variant is not expected to disrupt BRCA2 protein function with a negative predictive value of 95%. Studies have shown that this missense change results in activation of a cryptic splice site and introduces a premature termination codon (Invitae). The resulting mRNA is expected to undergo nonsense-mediated decay. For these reasons, this variant has been classified as Pathogenic.

Color Diagnostics, LLC DBA Color Health
Classification: Uncertain significance for Hereditary cancer-predisposing syndrome. Last evaluated: 2019-05-01. Review status: criteria provided, single submitter. Criteria: ACMG Guidelines, 2015. Collection method: clinical testing. Allele origin: germline. Not counted in ClinVar's aggregate classification.

Pathway Genomics
Classification: Uncertain significance for Breast-ovarian cancer, familial 2. Last evaluated: 2014-10-30. Review status: no assertion criteria provided. Criteria: ACMG Guidelines, 2015. Collection method: clinical testing. Allele origin: germline. Affected: yes. Not counted in ClinVar's aggregate classification.

Sharing Clinical Reports Project (SCRP)
Classification: Uncertain significance for Breast-ovarian cancer, familial 2. Last evaluated: 2011-07-15. Review status: no assertion criteria provided. Collection method: clinical testing. Allele origin: germline. Not counted in ClinVar's aggregate classification.

Literature cited by the submitters: PubMed 29084914 (cited by Ambry Genetics and Women's Health and Genetics/Laboratory Corporation of America, LabCorp); PubMed 21520333 (cited by Labcorp Genetics (formerly Invitae), Labcorp).

NM_000059.4(BRCA2):c.566A>G (p.Asp189Gly)

Gene: BRCA2 (BRCA2 DNA repair associated; plus strand). Cytogenetic location: 13q13.1.
Variant type: single nucleotide variant.
Coding change: c.566A>G on transcript NM_000059.4 (MANE Select); coding-DNA position 566, A replaced by G.
Protein change: p.Asp189Gly; replaces aspartic acid 189 with glycine.
Molecular consequence: missense variant.
Genome position (GRCh38, 1-based): chr13:32,326,548, A>G. VCF-style: chr13-32326548-A-G. GRCh37 (hg19) VCF-style: chr13-32900685-A-G.
Other names: E2571G; NM_000059.4(BRCA2):c.566A>G; p.Asp189Gly; 794A>G; short protein forms D189G.
Identifiers: ClinVar variation 37986 (VCV000037986.21), dbSNP rs397507359, ClinGen allele CA022922.